The following is an entry in ClinVar:

Conditions:
Breast-ovarian cancer, familial, susceptibility to, 1 (BROVCA1). Also called: BRCA1 Hereditary Breast and Ovarian Cancer; OVARIAN CANCER, SUSCEPTIBILITY TO. Identifiers: Orphanet 145, MedGen C2676676, MONDO:0011450, OMIM 604370. Disease mechanism: loss of function.

Submission:

Brotman Baty Institute, University of Washington
No classification provided (evidence only). Condition: Breast-ovarian cancer, familial 1. Review status: no classification provided. Collection method: in vitro. Allele origin: not applicable. Functional consequence: function_uncertain_variant.
ClinVar note: "not provided" was previously submitted as the classification for the variant. However, the classification appeared to be based only on an observation of functional data so it was converted to no classification on 2025-07-30.

NM_007294.4(BRCA1):c.43A>T (p.Ile15Phe)

Gene: BRCA1 (BRCA1 DNA repair associated; minus strand). Cytogenetic location: 17q21.31.
Variant type: single nucleotide variant.
Coding change: c.43A>T on transcript NM_007294.4 (MANE Select); coding-DNA position 43, A replaced by T.
Protein change: p.Ile15Phe; replaces isoleucine 15 with phenylalanine.
Molecular consequence: missense variant. On other transcripts: 5 prime UTR variant (1), non-coding transcript variant (1).
Genome position (GRCh38, 1-based): chr17:43,124,054, T>A on the plus strand (A>T on the coding strand, the complement: BRCA1 is on the minus strand). VCF-style: chr17-43124054-T-A. GRCh37 (hg19) VCF-style: chr17-41276071-T-A.
Other names: c.43A>T, p.Ile15Phe (NM_001408404.1, NM_001408406.1, NM_001408407.1 and 193 more transcripts); c.-218A>T (NM_001408410.1, NM_001408452.1, NM_001408462.1 and 22 more transcripts); c.-45A>T (NM_001408454.1, NM_001408459.1, NM_001408460.1 and 23 more transcripts); c.-215A>T (NM_001408455.1, NM_001408456.1, NM_001408468.1 and 11 more transcripts); c.-219A>T (NM_001408465.1, NM_001407695.1); c.-146A>T (NM_001408478.1, NM_001408479.1, NM_001408480.1 and 46 more transcripts); c.-291A>T (NM_001408482.1); c.-262A>T (NM_001408492.1, NM_001407889.1); and 8 more; short protein forms I15F.
Identifiers: ClinVar variation 867709 (VCV000867709.3), dbSNP rs80357031, ClinGen allele CA10602073.